The following is an entry in ClinVar:

ClinVar aggregate classification (germline): Pathogenic (1 of 4 stars; one submission).

Conditions:
Multiple acyl-CoA dehydrogenase deficiency (MADD). Also called: ETHYLMALONIC-ADIPICACIDURIA; GA II; Glutaric Acidemia type 2; Glutaric aciduria, type 2; Glutaric acidemia type II; GA 2. Identifiers: Orphanet 26791, MedGen C0268596, MONDO:0009282, OMIM 231680.

Submission:

Labcorp Genetics (formerly Invitae), Labcorp
Classification: Pathogenic for Multiple acyl-CoA dehydrogenase deficiency. Last evaluated: 2023-07-14. Review status: criteria provided, single submitter. Criteria: Invitae Variant Classification Sherloc (09022015). Collection method: clinical testing. Allele origin: germline.
Comment: For these reasons, this variant has been classified as Pathogenic. This variant disrupts a region of the ETFDH protein in which other variant(s) (p.Gly611Glu) have been determined to be pathogenic (PMID: 12359134; Invitae). This suggests that this is a clinically significant region of the protein, and that variants that disrupt it are likely to be disease-causing. ClinVar contains an entry for this variant (Variation ID: 642913). This premature translational stop signal has been observed in individual(s) with multiple acyl CoA dehydrogenation deficiency (PMID: 21907580). This variant is not present in population databases (gnomAD no frequency). This sequence change creates a premature translational stop signal (p.Trp603*) in the ETFDH gene. While this is not anticipated to result in nonsense mediated decay, it is expected to disrupt the last 15 amino acid(s) of the ETFDH protein.

Literature cited by the submitters: PubMed 12359134; PubMed 21907580.

NM_004453.4(ETFDH):c.1804_1807dup (p.Trp603Ter)

Gene: ETFDH (electron transfer flavoprotein dehydrogenase; plus strand). Cytogenetic location: 4q32.1.
Variant type: Duplication.
Coding change: c.1804_1807dup on transcript NM_004453.4 (MANE Select); coding-DNA positions 1804 to 1807, 4 bases duplicated (AACT; older notation c.1804_1807dupAACT).
Protein change: p.Trp603Ter; replaces tryptophan 603 with a stop codon.
Molecular consequence: nonsense.
Genome position (GRCh38, 1-based): chr4:158,708,477-158,708,480, AACT duplicated; duplicating any 4 consecutive bases within chr4:158,708,476-158,708,480 gives the same sequence; the c. name uses the placement nearest the transcript's 3' end. VCF-style (leftmost placement, unchanged base first): chr4-158708475-T-TTAAC. GRCh37 (hg19) VCF-style: chr4-159629627-T-TTAAC.
Other names: c.1663_1666dup, p.Trp556Ter (NM_001281737.2); c.1621_1624dup, p.Trp542Ter (NM_001281738.1); short protein forms W556*, W603*, W542*.
Identifiers: ClinVar variation 642913 (VCV000642913.9), dbSNP rs1580425904, ClinGen allele CA915943283.
Genomic context (GRCh38, chr4:158,708,475, plus strand): 5'-TAAATGCTCAGAACTGTGTACATTGTAAAACATGTGATATTAAAGATCCAAGTCAGAATA[T>TTAAC]TAACTGGGTGGTACCTGAAGGTGGAGGAGGACCTGCTTACAATGGAATGTAAACTGCAGC-3'